The following is an entry in ClinVar:

NM_014272.5(ADAMTS7):c.3071A>G (p.His1024Arg)

Gene: ADAMTS7 (ADAM metallopeptidase with thrombospondin type 1 motif 7; minus strand). Cytogenetic location: 15q25.1.
Variant type: single nucleotide variant.
Coding change: c.3071A>G on transcript NM_014272.5 (MANE Select); coding-DNA position 3071, A replaced by G.
Protein change: p.His1024Arg; replaces histidine 1024 with arginine.
Molecular consequence: missense variant.
Genome position (GRCh38, 1-based): chr15:78,766,840, T>C on the plus strand (A>G on the coding strand, the complement: ADAMTS7 is on the minus strand). VCF-style: chr15-78766840-T-C. GRCh37 (hg19) VCF-style: chr15-79059182-T-C.
Other names: short protein forms H1024R.
Identifiers: ClinVar variation 2645620 (VCV002645620.24), dbSNP rs143974743, ClinGen allele CA7685888.
Genomic context (GRCh38, chr15:78,766,840, plus strand): 5'-GCGTTGCCCATGGTGCCTGGCTTGGGTGATGAGGCGGGTGAAGGGCGTGGGGCCAGGTGG[T>C]GCGGGATGAAGTCAGCCTCGTTGAAGAGCTCGTGGCTGGAGGAGCCGCTGCCTGAGCCTT-3'
Protein context (NP_055087.2, residues 1014-1034): ELFNEADFIP[His1024Arg]HLAPRPSPAS

ClinVar aggregate classification (germline): Likely benign (1 of 4 stars; one submission).

Allele frequency attached by ClinVar (database versions not stated): gnomAD exomes 0.00189; ExAC 0.00268; gnomAD 0.00288; 1000 Genomes Project 30x 0.00656.

Submission:

CeGaT Center for Human Genetics Tuebingen
Classification: Likely benign. Last evaluated: 2023-02-01. Review status: criteria provided, single submitter. Criteria: CeGaT Center For Human Genetics Tuebingen Variant Classification Criteria Version 2. Collection method: clinical testing. Allele origin: germline. Affected: yes. Observed: 1 variant allele.
Comment: ADAMTS7: BP4, BS2